The following is an entry in ClinVar:

ClinVar aggregate classification (germline): Uncertain significance (1 of 4 stars; one submission).

Submission:

Labcorp Genetics (formerly Invitae), Labcorp
Classification: Uncertain significance. Last evaluated: 2022-08-01. Review status: criteria provided, single submitter. Criteria: Invitae Variant Classification Sherloc (09022015). Collection method: clinical testing. Allele origin: germline.
Comment: In summary, the available evidence is currently insufficient to determine the role of this variant in disease. Therefore, it has been classified as a Variant of Uncertain Significance. Experimental studies and prediction algorithms are not available or were not evaluated, and the functional significance of this variant is currently unknown. This variant has not been reported in the literature in individuals affected with NYX-related conditions. This variant results in a copy number gain of the genomic region encompassing exon(s) 1 of the NYX gene. This region includes the initiator codon of the gene. This copy number gain extends beyond the assayed region for this gene and therefore may encompass additional genes. As the precise location of this event is unknown, it may be in tandem or it may be located elsewhere in the genome.

NC_000023.10:g.(?_41307143)_(41307199_?)dup

Gene: NYX (nyctalopin; plus strand). Cytogenetic location: Xp11.4.
Variant type: Duplication.
Identifiers: ClinVar variation 2426767 (VCV002426767.3).